The following is an entry in ClinVar:

NM_032043.3(BRIP1):c.3266C>T (p.Ser1089Phe)

Gene: BRIP1 (BRCA1 interacting DNA helicase 1; minus strand). Cytogenetic location: 17q23.2.
Variant type: single nucleotide variant.
Coding change: c.3266C>T on transcript NM_032043.3 (MANE Select); coding-DNA position 3266, C replaced by T.
Protein change: p.Ser1089Phe; replaces serine 1089 with phenylalanine.
Molecular consequence: missense variant.
Genome position (GRCh38, 1-based): chr17:61,683,780, G>A on the plus strand (C>T on the coding strand, the complement: BRIP1 is on the minus strand). VCF-style: chr17-61683780-G-A. GRCh37 (hg19) VCF-style: chr17-59761141-G-A.
Other names: short protein forms S1089F.
Identifiers: ClinVar variation 407861 (VCV000407861.12), dbSNP rs761278503, ClinGen allele CA8690377.

ClinVar aggregate classification (germline): Uncertain significance. Review status: criteria provided, multiple submitters, no conflicts (2 of 4 stars). 3 submissions from 3 submitters: Uncertain significance (3). Last evaluated 2025-03-19.

Conditions:
Hereditary cancer-predisposing syndrome. Also called: Hereditary neoplastic syndrome; Neoplastic Syndromes, Hereditary; Tumor predisposition; Hereditary Cancer Syndrome. Identifiers: Orphanet 140162, MedGen C0027672, MeSH D009386, MONDO:0015356.
Familial cancer of breast. Also called: Hereditary breast cancer; hereditary breast carcinoma; BREAST CANCER, FAMILIAL. Identifiers: Orphanet 227535, MedGen C0346153, MONDO:0016419, OMIM 114480. Disease mechanism: loss of function.
Fanconi anemia complementation group J. Also called: BRIP1-Related Fanconi Anemia. Identifiers: Orphanet 84, MedGen C1836860, MONDO:0012187, OMIM 609054.

Allele frequency attached by ClinVar (database versions not stated): gnomAD exomes below 0.00001; ExAC 0.00001.
gnomAD v4.1: 2 of 1,614,184 alleles (0.00012%); highest among the groups gnomAD compares: Admixed American, 0.0033%; no homozygotes.

Submissions (3):

Labcorp Genetics (formerly Invitae), Labcorp
Classification: Uncertain significance for Familial cancer of breast; Fanconi anemia complementation group J. Last evaluated: 2025-03-19. Review status: criteria provided, single submitter. Criteria: Invitae Variant Classification Sherloc (09022015). Collection method: clinical testing. Allele origin: germline.
Comment: This sequence change replaces serine, which is neutral and polar, with phenylalanine, which is neutral and non-polar, at codon 1089 of the BRIP1 protein (p.Ser1089Phe). This variant is present in population databases (rs761278503, gnomAD 0.003%). This variant has not been reported in the literature in individuals affected with BRIP1-related conditions. ClinVar contains an entry for this variant (Variation ID: 407861). Invitae Evidence Modeling of protein sequence and biophysical properties (such as structural, functional, and spatial information, amino acid conservation, physicochemical variation, residue mobility, and thermodynamic stability) indicates that this missense variant is not expected to disrupt BRIP1 protein function with a negative predictive value of 95%. In summary, the available evidence is currently insufficient to determine the role of this variant in disease. Therefore, it has been classified as a Variant of Uncertain Significance.

Ambry Genetics
Classification: Uncertain significance for Hereditary cancer-predisposing syndrome. Last evaluated: 2023-09-23. Review status: criteria provided, single submitter. Criteria: Ambry Variant Classification Scheme 2023. Collection method: clinical testing. Allele origin: germline.
Comment: The p.S1089F variant (also known as c.3266C>T), located in coding exon 19 of the BRIP1 gene, results from a C to T substitution at nucleotide position 3266. The serine at codon 1089 is replaced by phenylalanine, an amino acid with highly dissimilar properties. This amino acid position is conserved. In addition, this alteration is predicted to be tolerated by in silico analysis. Since supporting evidence is limited at this time, the clinical significance of this alteration remains unclear.

Color Diagnostics, LLC DBA Color Health
Classification: Uncertain significance for Hereditary cancer-predisposing syndrome. Last evaluated: 2021-01-05. Review status: criteria provided, single submitter. Criteria: ACMG Guidelines, 2015. Collection method: clinical testing. Allele origin: germline.
Comment: This missense variant replaces serine with phenylalanine at codon 1089 of the BRIP1 protein. Computational prediction suggests that this variant may not impact protein structure and function (internally defined REVEL score threshold <= 0.5, PMID: 27666373). To our knowledge, functional studies have not been reported for this variant. This variant has not been reported in individuals affected with hereditary cancer in the literature. This variant has been identified in 1/250870 chromosomes in the general population by the Genome Aggregation Database (gnomAD). The available evidence is insufficient to determine the role of this variant in disease conclusively. Therefore, this variant is classified as a Variant of Uncertain Significance.